The following is an entry in ClinVar:

NM_032043.3(BRIP1):c.924A>G (p.Lys308=)

Gene: BRIP1 (BRCA1 interacting DNA helicase 1; minus strand). Cytogenetic location: 17q23.2.
Variant type: single nucleotide variant.
Coding change: c.924A>G on transcript NM_032043.3 (MANE Select); coding-DNA position 924, A replaced by G.
Protein change: p.Lys308=; no amino-acid change (lysine 308 retained).
Molecular consequence: synonymous variant.
Genome position (GRCh38, 1-based): chr17:61,801,469, T>C on the plus strand (A>G on the coding strand, the complement: BRIP1 is on the minus strand). VCF-style: chr17-61801469-T-C. GRCh37 (hg19) VCF-style: chr17-59878830-T-C.
Identifiers: ClinVar variation 241665 (VCV000241665.30), dbSNP rs374974885, ClinGen allele CA8690823.
Genomic context (GRCh38, chr17:61,801,469, plus strand): 5'-GAAAGTCTGTAATGTGTGCTGATCACTAATTTTATGAACTCCATGATAAAAATAGCAGGA[T>C]TTTCCCTAGAAACAAATATGCATAACTGAAATGTGAACCAATATTAGCATAGAAGGAATA-3'
Protein context (NP_114432.2, residues 298-318): CMELLDGKNG[Lys308=]SCYFYHGVHK

ClinVar aggregate classification (germline): Benign/Likely benign. Review status: criteria provided, multiple submitters, no conflicts (2 of 4 stars). 12 submissions from 12 submitters: Benign (2); Likely benign (7). 3 of the submissions do not count toward it. Last evaluated 2026-01-25.

Conditions:
BRIP1-related disorder. Also called: BRIP1-related condition; BRIP1-related disorders. Identifiers: MedGen CN239206.
Breast and/or ovarian cancer. Identifiers: MedGen CN221562.
Hereditary cancer-predisposing syndrome. Also called: Neoplastic Syndromes, Hereditary; Hereditary neoplastic syndrome; Hereditary Cancer Syndrome; Tumor predisposition. Identifiers: Orphanet 140162, MedGen C0027672, MeSH D009386, MONDO:0015356.
Familial cancer of breast. Also called: BREAST CANCER, FAMILIAL; Hereditary breast cancer; hereditary breast carcinoma. Identifiers: Orphanet 227535, MedGen C0346153, MONDO:0016419, OMIM 114480. Disease mechanism: loss of function.
Fanconi anemia complementation group J. Also called: BRIP1-Related Fanconi Anemia. Identifiers: Orphanet 84, MedGen C1836860, MONDO:0012187, OMIM 609054.

Allele frequency attached by ClinVar (database versions not stated): gnomAD exomes 0.00001 and 0.00004; TOPMed 0.00001; gnomAD 0.00002; ExAC 0.00005.
gnomAD v4.1: 24 of 1,606,726 alleles (0.0015%); highest among the groups gnomAD compares: East Asian, 0.022%; no homozygotes.

Submissions (12):

Labcorp Genetics (formerly Invitae), Labcorp
Classification: Benign for Familial cancer of breast; Fanconi anemia complementation group J. Last evaluated: 2026-01-25. Review status: criteria provided, single submitter. Criteria: Invitae Variant Classification Sherloc (09022015). Collection method: clinical testing. Allele origin: germline.

PreventionGenetics, part of Exact Sciences
Classification: Likely benign for BRIP1-related condition. Last evaluated: 2025-11-20. Review status: criteria provided, single submitter. Criteria: ACMG Guidelines, 2015. Collection method: clinical testing. Allele origin: germline.
Comment: This variant is classified as likely benign based on ACMG/AMP sequence variant interpretation guidelines (Richards et al. 2015 PMID: 25741868, with internal and published modifications).

Quest Diagnostics Nichols Institute San Juan Capistrano
Classification: Likely benign. Last evaluated: 2025-04-29. Review status: criteria provided, single submitter. Criteria: Quest Diagnostics criteria. Collection method: clinical testing. Allele origin: unknown.

Myriad Genetics, Inc.
Classification: Benign for Familial cancer of breast. Last evaluated: 2024-08-22. Review status: criteria provided, single submitter. Criteria: Myriad Autosomal Dominant, Autosomal Recessive and X-Linked Classification Criteria (2023). Collection method: clinical testing. Allele origin: unknown.
Comment: This variant is considered benign. This variant is a silent/synonymous amino acid change and it is not expected to impact splicing.

CHEO Genetics Diagnostic Laboratory, Children's Hospital of Eastern Ontario
Classification: Likely benign for Breast and/or ovarian cancer. Last evaluated: 2022-03-14. Review status: criteria provided, single submitter. Criteria: ACMG Guidelines, 2015. Collection method: clinical testing. Allele origin: germline.

Women's Health and Genetics/Laboratory Corporation of America, LabCorp
Classification: Likely benign. Last evaluated: 2021-12-25. Review status: criteria provided, single submitter. Criteria: LabCorp Variant Classification Summary - May 2015. Collection method: clinical testing. Allele origin: germline.

GeneDx
Classification: Likely benign. Last evaluated: 2019-07-22. Review status: criteria provided, single submitter. Criteria: GeneDx Variant Classification Process June 2021. Collection method: clinical testing. Allele origin: germline. Affected: yes.

Color Diagnostics, LLC DBA Color Health
Classification: Likely benign for Hereditary cancer-predisposing syndrome. Last evaluated: 2015-12-14. Review status: criteria provided, single submitter. Criteria: ACMG Guidelines, 2015. Collection method: clinical testing. Allele origin: germline.

Ambry Genetics
Classification: Likely benign for Hereditary cancer-predisposing syndrome. Last evaluated: 2015-03-06. Review status: criteria provided, single submitter. Criteria: Ambry Variant Classification Scheme 2023. Collection method: clinical testing. Allele origin: germline.

Clinical Genetics Laboratory, Department of Pathology, Netherlands Cancer Institute
Classification: Likely benign. Review status: no assertion criteria provided. Collection method: clinical testing. Allele origin: germline. Affected: yes. Study: VKGL Data-share Consensus. Not counted in ClinVar's aggregate classification.

Department of Pathology and Laboratory Medicine, Sinai Health System
Classification: Uncertain significance. Review status: no assertion criteria provided. Collection method: clinical testing. Allele origin: unknown. Affected: yes. Observed: 1 variant allele. Study: The Canadian Open Genetics Repository (COGR). Not counted in ClinVar's aggregate classification.
Comment: The BRIP1 p.Lys308Lys variant was not identified in the literature nor was it identified in Cosmic, MutDB and Zhejiang Colon Cancer Database. The variant was identified in dbSNP (ID: rs374974885) â€šÃ„ÃºWith Likely benignâ€šÃ„Ã¹ allele, ClinVar (classified as likely benign by Invitae and GeneDx) and Clinvitae database (2X as likely benign). The variant was identified in control databases in 12 of 276616 chromosomes at a frequency of 0.00004 increasing the likelihood that this may be a low frequency benign variant in certain populations of origin (Genome Aggregation Consortium Feb 27, 2017). The p.Lys308Lys variant is not expected to have clinical significance because it does not result in a change of amino acid and is not located in a known consensus splice site; however, the c.924A>G occurs 6 nucleotides into exon 08, and 1 of 5 in silico or computational prediction software programs (SpliceSiteFinder, MaxEntScan, NNSPLICE, GeneSplicer, HumanSpliceFinder) predict a greater than 10% difference in splicing; this is not very predictive of pathogenicity. In summary, based on the above information the clinical significance of this variant cannot be determined with certainty at this time. This variant is classified as a variant of uncertain significance.

Joint Genome Diagnostic Labs from Nijmegen and Maastricht, Radboudumc and MUMC+
Classification: Likely benign. Review status: no assertion criteria provided. Collection method: clinical testing. Allele origin: germline. Affected: yes. Study: VKGL Data-share Consensus. Not counted in ClinVar's aggregate classification.

Literature cited by the submitters: PubMed 32885271 (cited by Quest Diagnostics Nichols Institute San Juan Capistrano).